The following is an entry in ClinVar:

NM_004752.4(GCM2):c.665A>T (p.Glu222Val)

Gene: GCM2 (glial cells missing transcription factor 2; minus strand). Cytogenetic location: 6p24.2.
Variant type: single nucleotide variant.
Coding change: c.665A>T on transcript NM_004752.4 (MANE Select); coding-DNA position 665, A replaced by T.
Protein change: p.Glu222Val; replaces glutamic acid 222 with valine.
Molecular consequence: missense variant.
Genome position (GRCh38, 1-based): chr6:10,874,851, T>A on the plus strand (A>T on the coding strand, the complement: GCM2 is on the minus strand). VCF-style: chr6-10874851-T-A. GRCh37 (hg19) VCF-style: chr6-10875084-T-A.
Other names: short protein forms E222V.
Identifiers: ClinVar variation 64539 (VCV000064539.2), dbSNP rs387907429, ClinGen allele CA216363.

ClinVar aggregate classification (germline): Uncertain significance (0 of 4 stars; one submission).

Submission:

Martin Pollak Laboratory,  Beth Israel Deaconess Medical Center
Classification: Uncertain significance. Review status: no assertion criteria provided. Collection method: not provided. Allele origin: unknown.
Comment: Lower and higher UCa2+ groups
ClinVar note: Converted during submission from unknown to Uncertain significance.